The following is an entry in ClinVar:

ClinVar aggregate classification (germline): Uncertain significance (1 of 4 stars; one submission).

Submission:

GeneDx
Classification: Uncertain significance. Last evaluated: 2023-10-03. Review status: criteria provided, single submitter. Criteria: GeneDx Variant Classification Process June 2021. Collection method: clinical testing. Allele origin: germline. Affected: yes.
Comment: Not observed at significant frequency in large population cohorts (gnomAD); In silico analysis supports that this missense variant has a deleterious effect on protein structure/function; Has not been previously published as pathogenic or benign to our knowledge

NM_003052.5(SLC34A1):c.817C>A (p.Pro273Thr)

Gene: SLC34A1 (solute carrier family 34 member 1; plus strand). Cytogenetic location: 5q35.3.
Variant type: single nucleotide variant.
Coding change: c.817C>A on transcript NM_003052.5 (MANE Select); coding-DNA position 817, C replaced by A.
Protein change: p.Pro273Thr; replaces proline 273 with threonine.
Molecular consequence: missense variant.
Genome position (GRCh38, 1-based): chr5:177,388,166, C>A. VCF-style: chr5-177388166-C-A. GRCh37 (hg19) VCF-style: chr5-176815167-C-A.
Other names: c.817C>A, p.Pro273Thr (NM_001167579.2); short protein forms P273T.
Identifiers: ClinVar variation 2443539 (VCV002443539.2), dbSNP rs1762669059, ClinGen allele CA362365548.
Genomic context (GRCh38, chr5:177,388,166, plus strand): 5'-GCCTCCTTCAACATCCATGGTGGCCGTGATGCTCCTGACCTGCTCAAGATCATCACAGAG[C>A]CCTTCACGAAGCTCATCATCCAGGTGACAGCAGGGCCTGGCATGGGGTGAGGGTGGGGGT-3'
Protein context (NP_003043.3, residues 263-283): APDLLKIITE[Pro273Thr]FTKLIIQLDE